The following is an entry in ClinVar:

ClinVar aggregate classification (germline): Uncertain significance (1 of 4 stars; one submission).

Submission:

Women's Health and Genetics/Laboratory Corporation of America, LabCorp
Classification: Uncertain significance. Last evaluated: 2022-04-08. Review status: criteria provided, single submitter. Criteria: LabCorp Variant Classification Summary - May 2015. Collection method: clinical testing. Allele origin: germline.
Comment: Variant summary: NIPBL c.7063A>G (p.Met2355Val) results in a conservative amino acid change located in the Sister chromatid cohesion C-terminal domain (IPR024986) of the encoded protein sequence. Three of five in-silico tools predict a benign effect of the variant on protein function. 4/4 computational tools predict no significant impact on normal splicing. However, these predictions have yet to be confirmed by functional studies. The variant was absent in 251260 control chromosomes (gnomAD). The available data on variant occurrences in the general population are insufficient to allow any conclusion about variant significance. c.7063A>G has been reported in the literature in at least one individual affected with inherited cardiac disease (Bagnall_2014). These report does not provide unequivocal conclusions about association of the variant with Cornelia De Lange Syndrome 1. To our knowledge, no experimental evidence demonstrating an impact on protein function has been reported. No clinical diagnostic laboratories have submitted clinical-significance assessments for this variant to ClinVar after 2014. Based on the evidence outlined above, the variant was classified as uncertain significance.

Literature cited by the submitters: PubMed 25224718.

NM_133433.4(NIPBL):c.7063A>G (p.Met2355Val)

Gene: NIPBL (NIPBL cohesin loading factor; plus strand). Cytogenetic location: 5p13.2.
Variant type: single nucleotide variant.
Coding change: c.7063A>G on transcript NM_133433.4 (MANE Select); coding-DNA position 7063, A replaced by G.
Protein change: p.Met2355Val; replaces methionine 2355 with valine.
Molecular consequence: missense variant.
Genome position (GRCh38, 1-based): chr5:37,052,366, A>G. VCF-style: chr5-37052366-A-G. GRCh37 (hg19) VCF-style: chr5-37052468-A-G.
Other names: c.7063A>G, p.Met2355Val (NM_015384.5); short protein forms M2355V.
Identifiers: ClinVar variation 1683395 (VCV001683395.1), dbSNP rs2149742243, ClinGen allele CA359510989.